The following is an entry in ClinVar:

NM_016180.5(SLC45A2):c.1304C>A (p.Ser435Tyr)

Gene: SLC45A2 (solute carrier family 45 member 2; minus strand). Cytogenetic location: 5p13.2.
Variant type: single nucleotide variant.
Coding change: c.1304C>A on transcript NM_016180.5 (MANE Select); coding-DNA position 1304, C replaced by A.
Protein change: p.Ser435Tyr; replaces serine 435 with tyrosine.
Molecular consequence: missense variant.
Genome position (GRCh38, 1-based): chr5:33,947,227, G>T on the plus strand (C>A on the coding strand, the complement: SLC45A2 is on the minus strand). VCF-style: chr5-33947227-G-T. GRCh37 (hg19) VCF-style: chr5-33947332-G-T.
Other names: c.1304C>A, p.Ser435Tyr (NM_001012509.4); short protein forms S435Y.
Identifiers: ClinVar variation 3062365 (VCV003062365.1), dbSNP rs1447268402, ClinGen allele CA359388339.

ClinVar aggregate classification (germline): Uncertain significance (1 of 4 stars; one submission).

Conditions:
Oculocutaneous albinism type 4 (OCA4). Also called: Albinism, oculocutaneous, type IV. Identifiers: Orphanet 79435, MedGen C1847836, MONDO:0011683, OMIM 606574.

Allele frequency attached by ClinVar (database versions not stated): gnomAD exomes below 0.00001; TOPMed 0.00001; gnomAD 0.00001.
gnomAD v4.1: 2 of 1,614,088 alleles (0.00012%); highest among the groups gnomAD compares: Non-Finnish European, 0.00017%; no homozygotes.

Submission:

SIB Swiss Institute of Bioinformatics
Classification: Uncertain significance for Oculocutaneous albinism type 4. Last evaluated: 2024-03-21. Review status: criteria provided, single submitter. Criteria: ACMG Guidelines, 2015. Collection method: curation. Allele origin: unknown. Affected: yes.
Comment: This variant is interpreted for oculocutaneous albinism 4, autosomal recessive. The following ACMG Tag(s) were applied: Absent from controls (or at extremely low frequency if recessive) in Exome Sequencing Project, 1000 Genomes Project, or Exome Aggregation Consortium (PM2).

Literature cited by the submitters: PubMed 38337174.